The following is an entry in ClinVar:

ClinVar aggregate classification (germline): Likely benign (1 of 4 stars; one submission).

Submission:

Women's Health and Genetics/Laboratory Corporation of America, LabCorp
Classification: Likely benign. Last evaluated: 2025-09-24. Review status: criteria provided, single submitter. Criteria: LabCorp Variant Classification Summary - May 2015. Collection method: clinical testing. Allele origin: germline.
Comment: Variant summary: AR c.1885+13delT alters a non-conserved nucleotide located at a position not widely known to affect splicing. Consensus agreement among computation tools predict no significant impact on normal splicing. However, these predictions have yet to be confirmed by functional studies. The variant was absent in 178972 control chromosomes. The available data on variant occurrences in the general population are insufficient to allow any conclusion about variant significance. To our knowledge, no occurrence of c.1885+13delT in individuals affected with AR-related conditions and no experimental evidence demonstrating its impact on protein function have been reported. No submitters have cited clinical-significance assessments for this variant to ClinVar. Based on the evidence outlined above, the variant was classified as likely benign.

NM_000044.6(AR):c.1885+13del

Gene: AR (androgen receptor; plus strand). Cytogenetic location: Xq12.
Variant type: Deletion.
Coding change: c.1885+13del on transcript NM_000044.6 (MANE Select); 13 bases into the intron after coding-DNA position 1885, one base deleted (T; older notation c.1885+13delT).
Molecular consequence: intron variant.
Genome position (GRCh38, 1-based): chrX:67,686,139, T deleted; the last of 4 consecutive T bases (chrX:67,686,136-67,686,139); deleting any one gives the same sequence. VCF-style (leftmost placement, unchanged base first): chrX-67686135-CT-C. GRCh37 (hg19) VCF-style: chrX-66905977-CT-C.
Other names: c.1885+13delT (NM_000044.6); c.289+13del (NM_001011645.3); c.1885+13del (NM_001348061.1, NM_001348063.1); c.*83+13del (NM_001348064.1).
Identifiers: ClinVar variation 4536014 (VCV004536014.1).